The following continues an entry in ClinVar:

NM_007059.4(KPTN):c.714_731dup (p.Gln246_Asp247insMetTrpSerValLeuGln)

Gene: KPTN. ClinVar aggregate classification (germline): Pathogenic/Likely pathogenic. Pathogenic (13); Likely pathogenic (2).

Submissions 11 to 17 of 17:

Pittsburgh Clinical Genomics Laboratory, University of Pittsburgh Medical Center
Classification: Pathogenic for Macrocephaly-developmental delay syndrome. Last evaluated: 2022-03-29. Review status: criteria provided, single submitter. Criteria: ACMG Guidelines, 2015. Collection method: clinical testing. Allele origin: germline. Inheritance: Autosomal recessive inheritance. Affected: yes.
Comment: This sequence variant is an eighteen nucleotide duplication (dupACCGACCACATCTGCAGA) that results in the inframe insertion of 6 amino acids in exon 8 of 12 of the KPTN gene. This previously reported variant (ClinVar) has been observed in individuals affected by macrocephaly, neurodevelopmental delay and seizures when in the compound heterozygous state (PMID: 32358097). In addition, this variant, when in the compound heterozygous state, co-segregates with this disorder across multiple Ohio Amish families (PMID: 24239382). This variant is rare in control population datasets (gnomAD database, 135 of 279,060 alleles, 0.05%). Routine bioinformatic tools cannot predict the impact this variant will have on the function of kaptin, KPTN's encoded protein. However, protein folding models suggest that this duplication will disrupt the tertiary structure of kaptin (PMID: 24239382), and a functiol study indicates that the protein created by this variant fails to properly localize in neurons (PMID: 24239382). Given this information, we consider this a pathogenic variant. ACMG Criteria: PM3, PM4, PP1, PS3

CeGaT Center for Human Genetics Tuebingen
Classification: Pathogenic. Last evaluated: 2021-10-01. Review status: criteria provided, single submitter. Criteria: CeGaT Center For Human Genetics Tuebingen Variant Classification Criteria Version 2. Collection method: clinical testing. Allele origin: germline. Affected: yes. Observed: 5 variant alleles.

Fulgent Genetics
Classification: Pathogenic for Macrocephaly-developmental delay syndrome. Last evaluated: 2021-08-25. Review status: criteria provided, single submitter. Criteria: ACMG Guidelines, 2015. Collection method: clinical testing. Allele origin: unknown.

Genetic Services Laboratory, University of Chicago
Classification: Likely pathogenic. Last evaluated: 2018-05-21. Review status: criteria provided, single submitter. Criteria: ACMG Guidelines, 2015. Collection method: clinical testing. Allele origin: germline. Affected: yes.

Center for Pediatric Genomic Medicine, Children's Mercy Hospital and Clinics
Classification: Pathogenic. Last evaluated: 2017-05-04. Review status: criteria provided, single submitter. Criteria: ACMG Guidelines, 2015. Collection method: clinical testing. Allele origin: germline.

PreventionGenetics, part of Exact Sciences
Classification: Pathogenic for KPTN-related condition. Last evaluated: 2024-07-16. Review status: no assertion criteria provided. Collection method: clinical testing. Allele origin: germline. Not counted in ClinVar's aggregate classification.
Comment: The KPTN c.714_731dup18 variant is predicted to result in an in-frame duplication (p.Met241_Gln246dup). This variant has been reported in the compound heterozygous state with a loss of function variant in KPTN (c.776C>A, p.Ser259*) in individuals with global developmental delay, macrocephaly with frontal bossing, high levels of anxiety, and features suggestive of a pervasive developmental disorder (Baple et al. 2014. PubMed ID: 24239382). This variant was also reported along with a splicing variant in KPTN (c.394+1G>A) in an individual with macrocephaly, intractable epilepsy, atrial septal defect, global developmental delay, hypotonia, hypoglycemia, and dysmorphia (Phase not reported, Thiffault et al. 2018. PubMed ID: 30008475). This variant is reported in 0.10% of alleles in individuals of European (Finnish) descent in gnomAD. This variant is interpreted as pathogenic.

OMIM
Classification: Pathogenic for INTELLECTUAL DEVELOPMENTAL DISORDER, AUTOSOMAL RECESSIVE 41. Last evaluated: 2014-01-02. Review status: no assertion criteria provided. Collection method: literature only. Allele origin: germline. Not counted in ClinVar's aggregate classification.

Literature cited by the submitters: PubMed 24239382 (cited by 6 submitters); PubMed 36703628 (cited by Women's Health and Genetics/Laboratory Corporation of America, LabCorp); PubMed 32358097 (cited by 4 submitters); PubMed 30008475 (cited by Ambry Genetics).